The following is an entry in ClinVar:

NM_006904.7(PRKDC):c.6798T>G (p.Asn2266Lys)

Gene: PRKDC (protein kinase, DNA-activated, catalytic subunit; minus strand). Cytogenetic location: 8q11.21.
Variant type: single nucleotide variant.
Coding change: c.6798T>G on transcript NM_006904.7 (MANE Select); coding-DNA position 6798, T replaced by G.
Protein change: p.Asn2266Lys; replaces asparagine 2266 with lysine.
Molecular consequence: missense variant.
Genome position (GRCh38, 1-based): chr8:47,854,178, A>C on the plus strand (T>G on the coding strand, the complement: PRKDC is on the minus strand). VCF-style: chr8-47854178-A-C. GRCh37 (hg19) VCF-style: chr8-48766739-A-C.
Other names: c.6798T>G, p.Asn2266Lys (NM_001081640.2); short protein forms N2266K.
Identifiers: ClinVar variation 2778913 (VCV002778913.3), dbSNP rs1042627731, ClinGen allele CA176169811.

ClinVar aggregate classification (germline): Uncertain significance (1 of 4 stars; one submission).

Conditions:
Severe combined immunodeficiency due to DNA-PKcs deficiency. Also called: IMMUNODEFICIENCY 26 WITH NEUROLOGIC ABNORMALITIES; Immunodeficiency 26 with or without neurologic abnormalities. Identifiers: Orphanet 317425, MedGen C4014833, MONDO:0014423, OMIM 615966.

Allele frequency attached by ClinVar (database versions not stated): gnomAD exomes 0.00001.
gnomAD v4.1: 4 of 1,613,692 alleles (0.00025%); highest among the groups gnomAD compares: Non-Finnish European, 0.00017%; no homozygotes.

Submission:

Labcorp Genetics (formerly Invitae), Labcorp
Classification: Uncertain significance for Severe combined immunodeficiency due to DNA-PKcs deficiency. Last evaluated: 2022-11-01. Review status: criteria provided, single submitter. Criteria: Invitae Variant Classification Sherloc (09022015). Collection method: clinical testing. Allele origin: germline.
Comment: In summary, the available evidence is currently insufficient to determine the role of this variant in disease. Therefore, it has been classified as a Variant of Uncertain Significance. Advanced modeling of protein sequence and biophysical properties (such as structural, functional, and spatial information, amino acid conservation, physicochemical variation, residue mobility, and thermodynamic stability) has been performed at Invitae for this missense variant, however the output from this modeling did not meet the statistical confidence thresholds required to predict the impact of this variant on PRKDC protein function. This variant has not been reported in the literature in individuals affected with PRKDC-related conditions. This variant is not present in population databases (gnomAD no frequency). This sequence change replaces asparagine, which is neutral and polar, with lysine, which is basic and polar, at codon 2266 of the PRKDC protein (p.Asn2266Lys).